The following is an entry in ClinVar:

NM_198578.4(LRRK2):c.7573T>C (p.Ser2525Pro)

Gene: LRRK2 (leucine rich repeat kinase 2; plus strand). Cytogenetic location: 12q12.
Variant type: single nucleotide variant.
Coding change: c.7573T>C on transcript NM_198578.4 (MANE Select); coding-DNA position 7573, T replaced by C.
Protein change: p.Ser2525Pro; replaces serine 2525 with proline.
Molecular consequence: missense variant.
Genome position (GRCh38, 1-based): chr12:40,367,754, T>C. VCF-style: chr12-40367754-T-C. GRCh37 (hg19) VCF-style: chr12-40761556-T-C.
Other names: short protein forms S2525P.
Identifiers: ClinVar variation 882889 (VCV000882889.9), dbSNP rs200418197, ClinGen allele CA6514981.

ClinVar aggregate classification (germline): Uncertain significance. Review status: criteria provided, multiple submitters, no conflicts (2 of 4 stars). 3 submissions from 3 submitters: Uncertain significance (3). Last evaluated 2024-10-28.

Conditions:
Autosomal dominant Parkinson disease 8. Also called: Parkinson disease 8, susceptibility to; LRRK2-Related Parkinson Disease; Parkinson disease 8. Identifiers: Orphanet 411602, MedGen C1846862, MONDO:0011764, OMIM 607060.

Allele frequency attached by ClinVar (database versions not stated): gnomAD 0.00001 and below 0.00001; gnomAD exomes 0.00005 and 0.00003; TOPMed 0.00001; ExAC 0.00007.
gnomAD v4.1: 49 of 1,605,038 alleles (0.0031%); highest among the groups gnomAD compares: South Asian, 0.049%; no homozygotes.

Submissions (3):

Labcorp Genetics (formerly Invitae), Labcorp
Classification: Uncertain significance for Autosomal dominant Parkinson disease 8. Last evaluated: 2024-10-28. Review status: criteria provided, single submitter. Criteria: Invitae Variant Classification Sherloc (09022015). Collection method: clinical testing. Allele origin: germline.
Comment: This sequence change replaces serine, which is neutral and polar, with proline, which is neutral and non-polar, at codon 2525 of the LRRK2 protein (p.Ser2525Pro). This variant is present in population databases (rs200418197, gnomAD 0.04%), and has an allele count higher than expected for a pathogenic variant. This variant has not been reported in the literature in individuals affected with LRRK2-related conditions. ClinVar contains an entry for this variant (Variation ID: 882889). An algorithm developed to predict the effect of missense changes on protein structure and function outputs the following: PolyPhen-2: "Benign". The proline amino acid residue is found in multiple mammalian species, which suggests that this missense change does not adversely affect protein function. In summary, the available evidence is currently insufficient to determine the role of this variant in disease. Therefore, it has been classified as a Variant of Uncertain Significance.

Illumina Laboratory Services, Illumina
Classification: Uncertain significance for Autosomal dominant Parkinson disease 8. Last evaluated: 2018-01-13. Review status: criteria provided, single submitter. Criteria: ICSL Variant Classification Criteria 13 December 2019. Collection method: clinical testing. Allele origin: germline.

Neuberg Centre For Genomic Medicine, NCGM
Classification: Uncertain significance for Autosomal dominant Parkinson disease 8. Review status: criteria provided, single submitter. Criteria: ACMG Guidelines, 2015. Collection method: clinical testing. Allele origin: germline. Inheritance: Autosomal dominant inheritance. Affected: yes.
Comment: The observed missense c.7573T>C(p.Ser2525Pro) variant in LRRK2 gene has not been reported previously as a pathogenic variant nor as a benign variant, to our knowledge. The p.Ser2525Pro variant is present with allele frequency of 0.005% in gnomAD Exomes. This variant has been submitted to the ClinVar database as Uncertain Significance. Computational evidence (Polyphen - Possibly Damaging, SIFT - Tolerated and MutationTaster - Polymorphism) predicts conflicting evidence on protein structure and function for this variant. The reference amino acid of p.Ser2525Pro in LRRK2 is predicted as conserved by GERP++ and PhyloP across 100 vertebrates. The amino acid Ser at position 2525 is changed to a Pro changing protein sequence and it might alter its composition and physico-chemical properties. For these reasons, this variant has been classified as a Variant of Uncertain Significance (VUS).